The following is an entry in ClinVar:

NM_000176.3(NR3C1):c.1435C>T (p.Arg479Ter)

Gene: NR3C1 (nuclear receptor subfamily 3 group C member 1; minus strand). Cytogenetic location: 5q31.3.
Variant type: single nucleotide variant.
Coding change: c.1435C>T on transcript NM_000176.3 (MANE Select); coding-DNA position 1435, C replaced by T.
Protein change: p.Arg479Ter; replaces arginine 479 with a stop codon.
Molecular consequence: nonsense. On other transcripts: non-coding transcript variant (1).
Genome position (GRCh38, 1-based): chr5:143,310,130, G>A on the plus strand (C>T on the coding strand, the complement: NR3C1 is on the minus strand). VCF-style: chr5-143310130-G-A. GRCh37 (hg19) VCF-style: chr5-142689695-G-A.
Other names: c.1435C>T, p.Arg479Ter (NM_001018074.1, NM_001018075.1, NM_001018076.2 and 6 more transcripts); c.1438C>T, p.Arg480Ter (NM_001024094.2, NM_001364183.2, NM_001364184.2 and 1 more transcripts); c.1357C>T, p.Arg453Ter (NM_001204258.2); c.1180C>T, p.Arg394Ter (NM_001204259.2); c.1168C>T, p.Arg390Ter (NM_001204260.2); c.1144C>T, p.Arg382Ter (NM_001204261.2); c.490C>T, p.Arg164Ter (NM_001204262.2); c.445C>T, p.Arg149Ter (NM_001204263.2); and 1 more; short protein forms R149*, R390*, R453*, R480*, R164*, R382*, R144*, R394*.
Identifiers: ClinVar variation 1451274 (VCV001451274.6), dbSNP rs1658915833, ClinGen allele CA361870502.

ClinVar aggregate classification (germline): Pathogenic (1 of 4 stars; one submission).

Submission:

Labcorp Genetics (formerly Invitae), Labcorp
Classification: Pathogenic. Last evaluated: 2020-11-16. Review status: criteria provided, single submitter. Criteria: Invitae Variant Classification Sherloc (09022015). Collection method: clinical testing. Allele origin: germline.
Comment: For these reasons, this variant has been classified as Pathogenic. This variant has not been reported in the literature in individuals with NR3C1-related conditions. This variant is not present in population databases (ExAC no frequency). This sequence change creates a premature translational stop signal (p.Arg479*) in the NR3C1 gene. It is expected to result in an absent or disrupted protein product. Loss-of-function variants in NR3C1 are known to be pathogenic (PMID: 18697839, 21042587).

Literature cited by the submitters: PubMed 18697839; PubMed 21042587.